The following is an entry in ClinVar:

ClinVar aggregate classification (germline): Uncertain significance (1 of 4 stars; one submission).

Conditions:
Danon disease. Also called: PSEUDOGLYCOGENOSIS II; GSD IIb; LYSOSOMAL GLYCOGEN STORAGE DISEASE WITHOUT ACID MALTASE DEFICIENCY; ANTOPOL DISEASE; Glycogen Storage Disease Type IIb. Identifiers: Orphanet 34587, MedGen C0878677, MONDO:0010281, OMIM 300257.

Submission:

Baylor Genetics
Classification: Uncertain significance for Danon disease. Last evaluated: 2019-09-27. Review status: criteria provided, single submitter. Criteria: ACMG Guidelines, 2015. Collection method: clinical testing. Allele origin: unknown. Affected: yes.
Comment: This variant was determined to be of uncertain significance according to ACMG Guidelines, 2015 [PMID:25741868].

NM_002294.3(LAMP2):c.1217G>T (p.Gly406Val)

Gene: LAMP2 (lysosome associated membrane protein 2; minus strand). Cytogenetic location: Xq24.
Variant type: single nucleotide variant.
Coding change: c.1217G>T on transcript NM_002294.3 (MANE Select); coding-DNA position 1217, G replaced by T.
Protein change: p.Gly406Val; replaces glycine 406 with valine.
Molecular consequence: missense variant. On other transcripts: intron variant (1).
Genome position (GRCh38, 1-based): chrX:120,431,339, C>A on the plus strand (G>T on the coding strand, the complement: LAMP2 is on the minus strand). VCF-style: chrX-120431339-C-A. GRCh37 (hg19) VCF-style: chrX-119565194-C-A.
Other names: c.1094-2713G>T (NM_001122606.1); short protein forms G406V.
Identifiers: ClinVar variation 1029436 (VCV001029436.1), dbSNP rs2058522120, ClinGen allele CA414398023.
Genomic context (GRCh38, chrX:120,431,339, plus strand): 5'-TGTTATTTGCATGTATTTTTATATAATCAATCAGGTTGCAGATTCTAAAATTGCTCATAT[C>A]CAGCATGATGGTGCTTGAGACCAATAAAATAAGCCAGCAACACTAGAATAAGTACTCCTG-3'
Protein context (NP_002285.1, residues 396-410): YFIGLKHHHA[Gly406Val]YEQF